The following is an entry in ClinVar:

NM_001267550.2(TTN):c.78837A>G (p.Val26279=)

Genes: TTN (titin; minus strand), TTN-AS1 (TTN antisense RNA 1; plus strand). Cytogenetic location: 2q31.2.
Variant type: single nucleotide variant.
Coding change: c.78837A>G on transcript NM_001267550.2 (MANE Select); coding-DNA position 78837, A replaced by G.
Protein change: p.Val26279=; no amino-acid change (valine 26279 retained).
Molecular consequence: synonymous variant.
Genome position (GRCh38, 1-based): chr2:178,567,295, T>C on the plus strand (A>G on the coding strand, the complement: TTN is on the minus strand). VCF-style: chr2-178567295-T-C. GRCh37 (hg19) VCF-style: chr2-179432022-T-C.
Other names: c.73914A>G, p.Val24638= (NM_001256850.1); c.51642A>G, p.Val17214= (NM_003319.4); c.71133A>G, p.Val23711= (NM_133378.4); c.52017A>G, p.Val17339= (NM_133432.3); c.52218A>G, p.Val17406= (NM_133437.4).
Identifiers: ClinVar variation 390979 (VCV000390979.4), dbSNP rs777343548, ClinGen allele CA1989560.
Genomic context (GRCh38, chr2:178,567,295, plus strand): 5'-GACTCCAGTAACCTGGACTGGCCCTTCTGGAGGTCCTGGTCTATCTAATACTTTTACATT[T>C]ACTGGGAATGACTTAGAACCTGCAACATTGGAAGCTCTTAAAATATACTGCCCACCATCA-3'
Protein context (NP_001254479.2, residues 26269-26289): SNVAGSKSFP[Val26279=]NVKVLDRPGP

ClinVar aggregate classification (germline): Likely benign. Review status: criteria provided, multiple submitters, no conflicts (2 of 4 stars). 2 submissions from 2 submitters: Likely benign (2). Last evaluated 2025-03-20.

Conditions:
Dilated cardiomyopathy 1G (CMD1G). Identifiers: Orphanet 154, MedGen C1858763, MONDO:0011400, OMIM 604145.
Autosomal recessive limb-girdle muscular dystrophy type 2J (LGMDR10). Also called: MUSCULAR DYSTROPHY, LIMB-GIRDLE, AUTOSOMAL RECESSIVE 10; Limb-girdle muscular dystrophy, type 2J. Identifiers: Orphanet 140922, MedGen C1837342, MONDO:0012127, OMIM 608807.

Allele frequency attached by ClinVar (database versions not stated): gnomAD exomes below 0.00001 and 0.00003; ExAC 0.00001.
gnomAD v4.1: 42 of 1,607,070 alleles (0.0026%); highest among the groups gnomAD compares: Non-Finnish European, 0.0035%; no homozygotes.

Submissions (2):

Labcorp Genetics (formerly Invitae), Labcorp
Classification: Likely benign for Dilated cardiomyopathy 1G; Autosomal recessive limb-girdle muscular dystrophy type 2J. Last evaluated: 2025-03-20. Review status: criteria provided, single submitter. Criteria: Invitae Variant Classification Sherloc (09022015). Collection method: clinical testing. Allele origin: germline.

GeneDx
Classification: Likely benign. Last evaluated: 2016-11-18. Review status: criteria provided, single submitter. Criteria: GeneDx Variant Classification (06012015). Collection method: clinical testing. Allele origin: germline. Affected: yes.
Comment: This variant is considered likely benign or benign based on one or more of the following criteria: it is a conservative change, it occurs at a poorly conserved position in the protein, it is predicted to be benign by multiple in silico algorithms, and/or has population frequency not consistent with disease.